The following is an entry in ClinVar:

NM_018010.4(IFT57):c.1277C>A (p.Thr426Lys)

Gene: IFT57 (intraflagellar transport 57; minus strand). Cytogenetic location: 3q13.12.
Variant type: single nucleotide variant.
Coding change: c.1277C>A on transcript NM_018010.4 (MANE Select); coding-DNA position 1277, C replaced by A.
Protein change: p.Thr426Lys; replaces threonine 426 with lysine.
Molecular consequence: missense variant.
Genome position (GRCh38, 1-based): chr3:108,162,490, G>T on the plus strand (C>A on the coding strand, the complement: IFT57 is on the minus strand). VCF-style: chr3-108162490-G-T. GRCh37 (hg19) VCF-style: chr3-107881337-G-T.
Other names: short protein forms T426K.
Identifiers: ClinVar variation 4698665 (VCV004698665.1).

ClinVar aggregate classification (germline): Uncertain significance (1 of 4 stars; one submission).

gnomAD v4.1: 1 of 1,599,352 alleles (0.000063%); highest among the groups gnomAD compares: Non-Finnish European, 0.000085%; no homozygotes.

Submission:

Labcorp Genetics (formerly Invitae), Labcorp
Classification: Uncertain significance. Last evaluated: 2025-02-15. Review status: criteria provided, single submitter. Criteria: Invitae Variant Classification Sherloc (09022015). Collection method: clinical testing. Allele origin: germline.
Comment: This sequence change replaces threonine, which is neutral and polar, with lysine, which is basic and polar, at codon 426 of the IFT57 protein (p.Thr426Lys). This variant is present in population databases (no rsID available, gnomAD 0.0009%). This variant has not been reported in the literature in individuals affected with IFT57-related conditions. An algorithm developed to predict the effect of missense changes on protein structure and function (PolyPhen-2) suggests that this variant is likely to be tolerated. In summary, the available evidence is currently insufficient to determine the role of this variant in disease. Therefore, it has been classified as a Variant of Uncertain Significance.